The following is an entry in ClinVar:

NM_000245.4(MET):c.2373A>C (p.Gln791His)

Gene: MET (MET proto-oncogene, receptor tyrosine kinase; plus strand). Cytogenetic location: 7q31.2.
Variant type: single nucleotide variant.
Coding change: c.2373A>C on transcript NM_000245.4 (MANE Select); coding-DNA position 2373, A replaced by C.
Protein change: p.Gln791His; replaces glutamine 791 with histidine.
Molecular consequence: missense variant.
Genome position (GRCh38, 1-based): chr7:116,763,058, A>C. VCF-style: chr7-116763058-A-C. GRCh37 (hg19) VCF-style: chr7-116403112-A-C.
Other names: c.2427A>C, p.Gln809His (NM_001127500.3); c.2373A>C, p.Gln791His (NM_001324401.3); c.1083A>C, p.Gln361His (NM_001324402.2); short protein forms Q361H, Q809H, Q791H.
Identifiers: ClinVar variation 1362158 (VCV001362158.6), dbSNP rs760294359, ClinGen allele CA368982822.

ClinVar aggregate classification (germline): Uncertain significance (1 of 4 stars; one submission).

Conditions:
Renal cell carcinoma. Identifiers: Orphanet 217071, MedGen C0007134, MeSH D002292, MONDO:0005086, HP:0005584.

Submission:

Labcorp Genetics (formerly Invitae), Labcorp
Classification: Uncertain significance for Renal cell carcinoma. Last evaluated: 2021-11-02. Review status: criteria provided, single submitter. Criteria: Invitae Variant Classification Sherloc (09022015). Collection method: clinical testing. Allele origin: germline.
Comment: This sequence change replaces glutamine, which is neutral and polar, with histidine, which is basic and polar, at codon 809 of the MET protein (p.Gln809His). In summary, the available evidence is currently insufficient to determine the role of this variant in disease. Therefore, it has been classified as a Variant of Uncertain Significance. Algorithms developed to predict the effect of missense changes on protein structure and function output the following: SIFT: "Tolerated"; PolyPhen-2: "Benign"; Align-GVGD: "Class C0". The histidine amino acid residue is found in multiple mammalian species, which suggests that this missense change does not adversely affect protein function. This variant has not been reported in the literature in individuals affected with MET-related conditions. This variant is not present in population databases (gnomAD no frequency).